The following is an entry in ClinVar:

NC_000009.12:g.35657756C>T

Gene: RMRP (RNA component of mitochondrial RNA processing endoribonuclease; minus strand). Cytogenetic location: 9p13.3.
Variant type: single nucleotide variant.
Genome position: GRCh38 VCF-style: chr9-35657756-C-T. GRCh37 (hg19) VCF-style: chr9-35657753-C-T.
Identifiers: ClinVar variation 2160494 (VCV002160494.1), dbSNP rs727502774, ClinGen allele CA192745529.
Genomic context (GRCh38, chr9:35,657,756, plus strand): 5'-CGCGTGAGCCCGGGGAGGTCGAGGCTGCAGTGAGCCGTGGTCTCGGGAACAAAAAACAGC[C>T]GCGCTGAGAATGAGCCCCGTGTGGTTGGTGCGCGGACACGCACTGCCTGCGTAACTAGAG-3'

ClinVar aggregate classification (germline): Uncertain significance (1 of 4 stars; one submission).

Conditions:
Anauxetic dysplasia. Identifiers: Orphanet 93347, MedGen C1846796, MONDO:0011773.

gnomAD v4.1: 6 of 685,554 alleles (0.00088%); highest among the groups gnomAD compares: Admixed American, 0.0061%; no homozygotes.

Submission:

Labcorp Genetics (formerly Invitae), Labcorp
Classification: Uncertain significance for Anauxetic dysplasia. Last evaluated: 2022-08-01. Review status: criteria provided, single submitter. Criteria: Invitae Variant Classification Sherloc (09022015). Collection method: clinical testing. Allele origin: germline.
Comment: This variant occurs in the RMRP gene, which encodes an RNA molecule that does not result in a protein product. This variant is present in population databases (no rsID available, gnomAD 0.004%). This variant has not been reported in the literature in individuals affected with RMRP-related conditions. Experimental studies and prediction algorithms are not available or were not evaluated, and the functional significance of this variant is currently unknown. This variant disrupts the n.263G nucleotide in the RMRP gene. Other variant(s) that disrupt this nucleotide have been determined to be pathogenic (PMID: 11207361). This suggests that this nucleotide is clinically significant, and that variants that disrupt this position are likely to be disease-causing. In summary, the available evidence is currently insufficient to determine the role of this variant in disease. Therefore, it has been classified as a Variant of Uncertain Significance.

Literature cited by the submitters: PubMed 11207361.